The following is an entry in ClinVar:

ClinVar aggregate classification (germline): Conflicting classifications of pathogenicity. Review status: criteria provided, conflicting classifications (1 of 4 stars). 5 submissions from 5 submitters: Uncertain significance (2); Likely benign (2). 1 of the submissions does not count toward it. Last evaluated 2026-02-26.

Conditions:
Ectopia lentis 2, isolated, autosomal recessive (ECTOL2). Identifiers: Orphanet 1885, MedGen C3541474, MONDO:0009152, OMIM 225100.
ADAMTSL4-related disorder. Also called: ADAMTSL4-related condition; ADAMTSL4-Related Disorders.

Allele frequency attached by ClinVar (database versions not stated): 1000 Genomes Project 0.00060; 1000 Genomes Project 30x 0.00062; ExAC 0.00113; gnomAD exomes 0.00115 and 0.00243; gnomAD 0.00133 and 0.00134; TOPMed 0.00136; ESP Exome Variant Server 0.00223.

Submissions (5):

GeneDx
Classification: Uncertain significance. Last evaluated: 2026-02-26. Review status: criteria provided, single submitter. Criteria: GeneDx Variant Classification Process June 2021. Collection method: clinical testing. Allele origin: germline.
Comment: Published functional studies suggest a damaging effect of ADAMTSL4 misfolding (PMID: 38891949); In silico analysis suggests that this missense variant does not alter protein structure/function; This variant is associated with the following publications: (PMID: 38891949)

Labcorp Genetics (formerly Invitae), Labcorp
Classification: Likely benign. Last evaluated: 2026-01-24. Review status: criteria provided, single submitter. Criteria: Invitae Variant Classification Sherloc (09022015). Collection method: clinical testing. Allele origin: germline.

CeGaT Center for Human Genetics Tuebingen
Classification: Likely benign. Last evaluated: 2023-06-01. Review status: criteria provided, single submitter. Criteria: CeGaT Center For Human Genetics Tuebingen Variant Classification Criteria Version 2. Collection method: clinical testing. Allele origin: germline. Affected: yes. Observed: 2 variant alleles.
Comment: ADAMTSL4: BP4

Illumina Laboratory Services, Illumina
Classification: Uncertain significance for Ectopia lentis 2, isolated, autosomal recessive. Last evaluated: 2018-01-13. Review status: criteria provided, single submitter. Criteria: ICSL Variant Classification Criteria 13 December 2019. Collection method: clinical testing. Allele origin: germline.

PreventionGenetics, part of Exact Sciences
Classification: Likely benign for ADAMTSL4-related condition. Last evaluated: 2022-07-11. Review status: no assertion criteria provided. Collection method: clinical testing. Allele origin: germline. Not counted in ClinVar's aggregate classification.
Comment: This variant is classified as likely benign based on ACMG/AMP sequence variant interpretation guidelines (Richards et al. 2015 PMID: 25741868, with internal and published modifications).

NM_019032.6(ADAMTSL4):c.292C>T (p.Arg98Trp)

Genes: ADAMTSL4 (ADAMTS like 4; plus strand), ADAMTSL4-AS2 (ADAMTSL4 antisense RNA 2; minus strand). Cytogenetic location: 1q21.2.
Variant type: single nucleotide variant.
Coding change: c.292C>T on transcript NM_019032.6 (MANE Select); coding-DNA position 292, C replaced by T.
Protein change: p.Arg98Trp; replaces arginine 98 with tryptophan.
Molecular consequence: missense variant.
Genome position (GRCh38, 1-based): chr1:150,553,111, C>T. VCF-style: chr1-150553111-C-T. GRCh37 (hg19) VCF-style: chr1-150525587-C-T.
Other names: c.292C>T (NM_019032.5); c.292C>T, p.Arg98Trp (NM_001288607.2, NM_001288608.2, NM_001378596.1 and 1 more transcripts); short protein forms R98W.
Identifiers: ClinVar variation 876193 (VCV000876193.40), dbSNP rs148393631, ClinGen allele CA1077921.